The following is an entry in ClinVar:

ClinVar aggregate classification (germline): Uncertain significance (1 of 4 stars; one submission).

Submission:

Labcorp Genetics (formerly Invitae), Labcorp
Classification: Uncertain significance. Last evaluated: 2024-10-04. Review status: criteria provided, single submitter. Criteria: Invitae Variant Classification Sherloc (09022015). Collection method: clinical testing. Allele origin: germline.
Comment: This sequence change replaces glutamic acid, which is acidic and polar, with lysine, which is basic and polar, at codon 1130 of the GRIN2D protein (p.Glu1130Lys). This variant is not present in population databases (gnomAD no frequency). This variant has not been reported in the literature in individuals affected with GRIN2D-related conditions. Invitae Evidence Modeling of protein sequence and biophysical properties (such as structural, functional, and spatial information, amino acid conservation, physicochemical variation, residue mobility, and thermodynamic stability) indicates that this missense variant is not expected to disrupt GRIN2D protein function with a negative predictive value of 95%. In summary, the available evidence is currently insufficient to determine the role of this variant in disease. Therefore, it has been classified as a Variant of Uncertain Significance.

NM_000836.4(GRIN2D):c.3388G>A (p.Glu1130Lys)

Gene: GRIN2D (glutamate ionotropic receptor NMDA type subunit 2D; plus strand). Cytogenetic location: 19q13.33.
Variant type: single nucleotide variant.
Coding change: c.3388G>A on transcript NM_000836.4 (MANE Select); coding-DNA position 3388, G replaced by A.
Protein change: p.Glu1130Lys; replaces glutamic acid 1130 with lysine.
Molecular consequence: missense variant.
Genome position (GRCh38, 1-based): chr19:48,443,314, G>A. VCF-style: chr19-48443314-G-A. GRCh37 (hg19) VCF-style: chr19-48946571-G-A.
Other names: short protein forms E1130K.
Identifiers: ClinVar variation 3689266 (VCV003689266.2).